The following is an entry in ClinVar:

NM_032043.3(BRIP1):c.1795-12_1795-10del

Gene: BRIP1 (BRCA1 interacting DNA helicase 1; minus strand). Cytogenetic location: 17q23.2.
Variant type: Microsatellite.
Coding change: c.1795-12_1795-10del on transcript NM_032043.3 (MANE Select); 12 bases into the intron before coding-DNA position 1795 through 10 bases into the intron before coding-DNA position 1795, 3 bases deleted (GTT; older notation c.1795-12_1795-10delGTT).
Molecular consequence: intron variant.
Genome position (GRCh38, 1-based): chr17:61,780,411-61,780,413, AAC deleted on the plus strand (GTT on the coding strand, the reverse complement: BRIP1 is on the minus strand); deleting any 3 consecutive bases within chr17:61,780,411-61,780,417 gives the same sequence; the c. name uses the placement nearest the transcript's 3' end. VCF-style (leftmost placement, unchanged base first): chr17-61780410-AAAC-A. GRCh37 (hg19) VCF-style: chr17-59857771-AAAC-A.
Other names: c.1795-12_1795-10delGTT (NM_032043.2).
Identifiers: ClinVar variation 461080 (VCV000461080.20), dbSNP rs1475317357, ClinGen allele CA658658670.

ClinVar aggregate classification (germline): Conflicting classifications of pathogenicity. Review status: criteria provided, conflicting classifications (1 of 4 stars). 6 submissions from 6 submitters: Uncertain significance (1); Likely benign (5). Last evaluated 2025-12-20.

Conditions:
Familial ovarian cancer. Identifiers: MedGen C5679802, MONDO:0016248.
Hereditary cancer-predisposing syndrome. Also called: Hereditary neoplastic syndrome; Neoplastic Syndromes, Hereditary; Tumor predisposition; Hereditary Cancer Syndrome. Identifiers: Orphanet 140162, MedGen C0027672, MeSH D009386, MONDO:0015356.
Breast and/or ovarian cancer. Identifiers: MedGen CN221562.
Fanconi anemia complementation group J. Also called: BRIP1-Related Fanconi Anemia. Identifiers: Orphanet 84, MedGen C1836860, MONDO:0012187, OMIM 609054.
Familial cancer of breast. Also called: BREAST CANCER, FAMILIAL; hereditary breast carcinoma; Hereditary breast cancer. Identifiers: Orphanet 227535, MedGen C0346153, MONDO:0016419, OMIM 114480. Disease mechanism: loss of function.

Submissions (6):

Labcorp Genetics (formerly Invitae), Labcorp
Classification: Likely benign for Familial cancer of breast; Fanconi anemia complementation group J. Last evaluated: 2025-12-20. Review status: criteria provided, single submitter. Criteria: Invitae Variant Classification Sherloc (09022015). Collection method: clinical testing. Allele origin: germline.

Myriad Genetics, Inc.
Classification: Likely benign for Familial cancer of breast. Last evaluated: 2024-08-29. Review status: criteria provided, single submitter. Criteria: Myriad Autosomal Dominant, Autosomal Recessive and X-Linked Classification Criteria (2023). Collection method: clinical testing. Allele origin: unknown.
Comment: This variant is considered likely benign. This variant is intronic and is not expected to impact mRNA splicing.

CHEO Genetics Diagnostic Laboratory, Children's Hospital of Eastern Ontario
Classification: Uncertain significance for Breast and/or ovarian cancer. Last evaluated: 2023-04-25. Review status: criteria provided, single submitter. Criteria: ACMG Guidelines, 2015. Collection method: clinical testing. Allele origin: germline.

GeneDx
Classification: Likely benign. Last evaluated: 2023-03-07. Review status: criteria provided, single submitter. Criteria: GeneDx Variant Classification Process June 2021. Collection method: clinical testing. Allele origin: germline. Affected: yes.
Comment: See Variant Classification Assertion Criteria.

Department of Pathology and Laboratory Medicine, Sinai Health System
Classification: Likely benign for familial ovarian cancer. Last evaluated: 2021-11-09. Review status: criteria provided, single submitter. Criteria: ACMG Guidelines, 2015. Collection method: clinical testing. Allele origin: germline.

Color Diagnostics, LLC DBA Color Health
Classification: Likely benign for Hereditary cancer-predisposing syndrome. Last evaluated: 2017-10-27. Review status: criteria provided, single submitter. Criteria: ACMG Guidelines, 2015. Collection method: clinical testing. Allele origin: germline.